The following is an entry in ClinVar:

NM_003235.5(TG):c.274+2T>G

Gene: TG (thyroglobulin; plus strand). Cytogenetic location: 8q24.22.
Variant type: single nucleotide variant.
Coding change: c.274+2T>G on transcript NM_003235.5 (MANE Select); the canonical splice donor site of the intron after coding-DNA position 274, T replaced by G.
Molecular consequence: splice donor variant.
Genome position (GRCh38, 1-based): chr8:132,869,828, T>G. VCF-style: chr8-132869828-T-G. GRCh37 (hg19) VCF-style: chr8-133882073-T-G.
Identifiers: ClinVar variation 2735213 (VCV002735213.7), dbSNP rs1398373161, ClinGen allele CA372246276.

ClinVar aggregate classification (germline): Pathogenic. Review status: criteria provided, multiple submitters, no conflicts (2 of 4 stars). 4 submissions from 4 submitters: Pathogenic (4). Last evaluated 2024-04-05.

Conditions:
Iodotyrosyl coupling defect (TDH3). Also called: THYROID HORMONOGENESIS, GENETIC DEFECT IN, 3; HYPOTHYROIDISM, CONGENITAL, DUE TO DYSHORMONOGENESIS, 3. Identifiers: Orphanet 95716, MedGen C0342194, MONDO:0010135, OMIM 274700.
Autoimmune thyroid disease, susceptibility to, 3. Identifiers: MedGen C1842444, MONDO:0011982, OMIM 608175.

Allele frequency attached by ClinVar (database versions not stated): TOPMed below 0.00001; gnomAD 0.00001.
gnomAD v4.1: 3 of 1,613,500 alleles (0.00019%); highest among the groups gnomAD compares: East Asian, 0.0067%; no homozygotes.

Submissions (4):

Fulgent Genetics
Classification: Pathogenic for Iodotyrosyl coupling defect; Autoimmune thyroid disease, susceptibility to, 3. Last evaluated: 2024-04-05. Review status: criteria provided, single submitter. Criteria: ACMG Guidelines, 2015. Collection method: clinical testing. Allele origin: germline.

Labcorp Genetics (formerly Invitae), Labcorp
Classification: Pathogenic. Last evaluated: 2023-12-02. Review status: criteria provided, single submitter. Criteria: Invitae Variant Classification Sherloc (09022015). Collection method: clinical testing. Allele origin: germline.
Comment: This sequence change affects a donor splice site in intron 3 of the TG gene. RNA analysis indicates that disruption of this splice site induces altered splicing and may result in an absent or disrupted protein product. This variant is present in population databases (no rsID available, gnomAD 0.006%). Disruption of this splice site has been observed in individual(s) with thyroid dyshormonogenesis (PMID: 19837936). In at least one individual the data is consistent with being in trans (on the opposite chromosome) from a pathogenic variant. Studies have shown that disruption of this splice site results in skipping of exon 3 and introduces a premature termination codon (PMID: 19837936). The resulting mRNA is expected to undergo nonsense-mediated decay. For these reasons, this variant has been classified as Pathogenic.

GeneDx
Classification: Pathogenic. Last evaluated: 2023-11-10. Review status: criteria provided, single submitter. Criteria: GeneDx Variant Classification Process June 2021. Collection method: clinical testing. Allele origin: germline. Affected: yes.
Comment: RNA studies demonstrate aberrant splicing (PMID: 19837936); Not observed at significant frequency in large population cohorts (gnomAD); This variant is associated with the following publications: (PMID: 25525159, 26777470, 27637299, 19837936, 34200080)

Juno Genomics, Hangzhou Juno Genomics, Inc
Classification: Pathogenic for Iodotyrosyl coupling defect; Autoimmune thyroid disease, susceptibility to, 3. Review status: criteria provided, single submitter. Criteria: ACMG Guidelines, 2015. Collection method: clinical testing. Allele origin: germline.
Comment: Absent from controls (or at extremely low frequency if recessive) in Genome Aggregation Database.;Null variant in a gene where loss of function (LOF) is a known mechanism of disease.;For recessive disorders, detected in trans with a pathogenic variant.

Literature cited by the submitters: PubMed 19837936 (cited by Labcorp Genetics (formerly Invitae), Labcorp).